The following is an entry in ClinVar:

ClinVar aggregate classification (germline): Conflicting classifications of pathogenicity. Review status: criteria provided, conflicting classifications (1 of 4 stars). 8 submissions from 8 submitters: Uncertain significance (1); Benign (2); Likely benign (5). Last evaluated 2026-02-10.

Conditions:
Cardiovascular phenotype. Identifiers: MedGen CN230736.
TTN-related disorder. Also called: TTN-related disorders; TTN-related condition; TTN-related disease.
Dilated cardiomyopathy 1G (CMD1G). Identifiers: Orphanet 154, MedGen C1858763, MONDO:0011400, OMIM 604145.
Autosomal recessive limb-girdle muscular dystrophy type 2J (LGMDR10). Also called: Limb-girdle muscular dystrophy, type 2J; MUSCULAR DYSTROPHY, LIMB-GIRDLE, AUTOSOMAL RECESSIVE 10. Identifiers: Orphanet 140922, MedGen C1837342, MONDO:0012127, OMIM 608807.
Cardiomyopathy (CMYO). Also called: Cardiomyopathies. Identifiers: Orphanet 167848, MedGen C0878544, MONDO:0004994, HP:0001638. Inheritance: Various modes of inheritance.

Allele frequency attached by ClinVar (database versions not stated): TOPMed 0.00010; gnomAD exomes 0.00008; ExAC 0.00009; gnomAD 0.00010; ESP Exome Variant Server 0.00023.
gnomAD v4.1: 196 of 1,613,314 alleles (0.012%); highest among the groups gnomAD compares: Admixed American, 0.017%; no homozygotes.

Submissions (8):

PreventionGenetics, part of Exact Sciences
Classification: Likely benign for TTN-related condition. Last evaluated: 2026-02-10. Review status: criteria provided, single submitter. Criteria: ACMG Guidelines, 2015. Collection method: clinical testing. Allele origin: germline.
Comment: This variant is classified as likely benign based on ACMG/AMP sequence variant interpretation guidelines (Richards et al. 2015 PMID: 25741868, with internal and published modifications).

CeGaT Center for Human Genetics Tuebingen
Classification: Likely benign. Last evaluated: 2026-02-01. Review status: criteria provided, single submitter. Criteria: CeGaT Center For Human Genetics Tuebingen Variant Classification Criteria Version 2. Collection method: clinical testing. Allele origin: germline. Affected: yes. Observed: 1 variant allele.
Comment: TTN: BP4, BP7

Labcorp Genetics (formerly Invitae), Labcorp
Classification: Likely benign for Dilated cardiomyopathy 1G; Autosomal recessive limb-girdle muscular dystrophy type 2J. Last evaluated: 2026-01-28. Review status: criteria provided, single submitter. Criteria: Invitae Variant Classification Sherloc (09022015). Collection method: clinical testing. Allele origin: germline.

Blueprint Genetics
Classification: Likely benign. Last evaluated: 2024-08-22. Review status: criteria provided, single submitter. Criteria: ACMG Guidelines, 2015. Collection method: clinical testing. Allele origin: germline.

CHEO Genetics Diagnostic Laboratory, Children's Hospital of Eastern Ontario
Classification: Likely benign for Cardiomyopathy. Last evaluated: 2020-07-07. Review status: criteria provided, single submitter. Criteria: ACMG Guidelines, 2015. Collection method: clinical testing. Allele origin: germline.

Ambry Genetics
Classification: Benign for Cardiovascular phenotype. Last evaluated: 2020-04-06. Review status: criteria provided, single submitter. Criteria: Ambry Variant Classification Scheme 2023. Collection method: clinical testing. Allele origin: germline.

Eurofins Ntd Llc (ga)
Classification: Uncertain significance. Last evaluated: 2017-09-29. Review status: criteria provided, single submitter. Criteria: EGL Classification Definitions 2015. Collection method: clinical testing. Allele origin: germline. Observed: 1 variant allele, 1 heterozygote.

GeneDx
Classification: Benign. Last evaluated: 2015-07-21. Review status: criteria provided, single submitter. Criteria: GeneDx Variant Classification (06012015). Collection method: clinical testing. Allele origin: germline. Affected: yes.
Comment: This variant is considered likely benign or benign based on one or more of the following criteria: it is a conservative change, it occurs at a poorly conserved position in the protein, it is predicted to be benign by multiple in silico algorithms, and/or has population frequency not consistent with disease.

NM_001267550.2(TTN):c.3864T>G (p.Ala1288=)

Genes: TTN (titin; minus strand), LOC101927055 (uncharacterized LOC101927055; plus strand). Cytogenetic location: 2q31.2.
Variant type: single nucleotide variant.
Coding change: c.3864T>G on transcript NM_001267550.2 (MANE Select); coding-DNA position 3864, T replaced by G.
Protein change: p.Ala1288=; no amino-acid change (alanine 1288 retained).
Molecular consequence: synonymous variant.
Genome position (GRCh38, 1-based): chr2:178,779,328, A>C on the plus strand (T>G on the coding strand, the complement: TTN is on the minus strand). VCF-style: chr2-178779328-A-C. GRCh37 (hg19) VCF-style: chr2-179644055-A-C.
Other names: c.3864T>G, p.Ala1288= (NM_001256850.1, NM_133378.4, NM_133379.5); c.3726T>G, p.Ala1242= (NM_003319.4, NM_133432.3, NM_133437.4).
Identifiers: ClinVar variation 238763 (VCV000238763.25), dbSNP rs368702156, ClinGen allele CA2005457.